The following is an entry in ClinVar:

NM_000059.4(BRCA2):c.5435A>T (p.Glu1812Val)

Gene: BRCA2 (BRCA2 DNA repair associated; plus strand). Cytogenetic location: 13q13.1.
Variant type: single nucleotide variant.
Coding change: c.5435A>T on transcript NM_000059.4 (MANE Select); coding-DNA position 5435, A replaced by T.
Protein change: p.Glu1812Val; replaces glutamic acid 1812 with valine.
Molecular consequence: missense variant.
Genome position (GRCh38, 1-based): chr13:32,339,790, A>T. VCF-style: chr13-32339790-A-T. GRCh37 (hg19) VCF-style: chr13-32913927-A-T.
Other names: short protein forms E1812V.
Identifiers: ClinVar variation 864647 (VCV000864647.14), dbSNP rs2072529304, ClinGen allele CA387785507.

ClinVar aggregate classification (germline): Conflicting classifications of pathogenicity. Review status: criteria provided, conflicting classifications (1 of 4 stars). 2 submissions from 2 submitters: Uncertain significance (1); Likely benign (1). Last evaluated 2025-11-05.

Conditions:
Hereditary cancer-predisposing syndrome. Also called: Hereditary Cancer Syndrome; Tumor predisposition; Neoplastic Syndromes, Hereditary; Hereditary neoplastic syndrome. Identifiers: Orphanet 140162, MedGen C0027672, MeSH D009386, MONDO:0015356.
Hereditary breast ovarian cancer syndrome. Also called: Hereditary breast and ovarian cancer syndrome; Hereditary breast and/or ovarian cancer syndrome; Hereditary breast and ovarian cancer syndrome (HBOC); Breast and ovarian cancer; Hereditary breast and ovarian cancer; BRCA1- and BRCA2-Associated Hereditary Breast and Ovarian Cancer. Identifiers: Orphanet 145, MedGen C0677776, MeSH D061325, MONDO:0003582. Disease mechanism: loss of function.

Submissions (2):

Labcorp Genetics (formerly Invitae), Labcorp
Classification: Uncertain significance for Hereditary breast ovarian cancer syndrome. Last evaluated: 2025-11-05. Review status: criteria provided, single submitter. Criteria: Invitae Variant Classification Sherloc (09022015). Collection method: clinical testing. Allele origin: germline.
Comment: This sequence change replaces glutamic acid, which is acidic and polar, with valine, which is neutral and non-polar, at codon 1812 of the BRCA2 protein (p.Glu1812Val). This variant is not present in population databases (gnomAD no frequency). This variant has not been reported in the literature in individuals affected with BRCA2-related conditions. ClinVar contains an entry for this variant (Variation ID: 864647). Invitae Evidence Modeling of protein sequence and biophysical properties (such as structural, functional, and spatial information, amino acid conservation, physicochemical variation, residue mobility, and thermodynamic stability) indicates that this missense variant is not expected to disrupt BRCA2 protein function with a negative predictive value of 95%. In summary, the available evidence is currently insufficient to determine the role of this variant in disease. Therefore, it has been classified as a Variant of Uncertain Significance.

University of Washington Department of Laboratory Medicine, University of Washington
Classification: Likely benign for Hereditary cancer-predisposing syndrome. Last evaluated: 2023-03-23. Review status: criteria provided, single submitter. Criteria: Dines et al. (Genet Med. 2020). Collection method: curation. Allele origin: germline.
Comment: Missense variant in a coldspot region where missense variants are very unlikely to be pathogenic (PMID:31911673).

BRCA2 exon 11 coldspot. Reclassification based on statistical prior probability.